The following is an entry in ClinVar:

ClinVar aggregate classification (germline): Uncertain significance (1 of 4 stars; one submission).

Conditions:
Autosomal recessive limb-girdle muscular dystrophy type 2J (LGMDR10). Also called: Limb-girdle muscular dystrophy, type 2J; MUSCULAR DYSTROPHY, LIMB-GIRDLE, AUTOSOMAL RECESSIVE 10. Identifiers: Orphanet 140922, MedGen C1837342, MONDO:0012127, OMIM 608807.
Dilated cardiomyopathy 1G (CMD1G). Identifiers: Orphanet 154, MedGen C1858763, MONDO:0011400, OMIM 604145.

Submission:

Labcorp Genetics (formerly Invitae), Labcorp
Classification: Uncertain significance for Dilated cardiomyopathy 1G; Autosomal recessive limb-girdle muscular dystrophy type 2J. Last evaluated: 2025-10-13. Review status: criteria provided, single submitter. Criteria: Invitae Variant Classification Sherloc (09022015). Collection method: clinical testing. Allele origin: germline.
Comment: This sequence change falls in intron 102 of the TTN gene. It does not directly change the encoded amino acid sequence of the TTN protein. It affects a nucleotide within the consensus splice site. This variant is not present in population databases (gnomAD no frequency). This variant has not been reported in the literature in individuals affected with TTN-related conditions. Variants that disrupt the consensus splice site are a relatively common cause of aberrant splicing (PMID: 17576681, 9536098). Algorithms developed to predict the effect of sequence changes on RNA splicing suggest that this variant may disrupt the consensus splice site. This variant is located in the I band of TTN (PMID: 25589632). Non-truncating variants in this region may be clinically relevant, but have not been definitively shown to cause cardiomyopathy or neuromuscular disease (PMID: 27493940, 32778822). In summary, the available evidence is currently insufficient to determine the role of this variant in disease. Therefore, it has been classified as a Variant of Uncertain Significance.

Literature cited by the submitters: PubMed 17576681; PubMed 9536098; PubMed 25589632; PubMed 27493940; PubMed 32778822.

NM_001267550.2(TTN):c.29420+5G>C

Gene: TTN (titin; minus strand). Cytogenetic location: 2q31.2.
Variant type: single nucleotide variant.
Coding change: c.29420+5G>C on transcript NM_001267550.2 (MANE Select); 5 bases into the intron after coding-DNA position 29420, G replaced by C.
Molecular consequence: intron variant.
Genome position (GRCh38, 1-based): chr2:178,706,449, C>G on the plus strand (G>C on the coding strand, the complement: TTN is on the minus strand). VCF-style: chr2-178706449-C-G. GRCh37 (hg19) VCF-style: chr2-179571176-C-G.
Other names: c.13282+31633G>C (NM_003319.4); c.13858+31633G>C (NM_133437.4); c.13657+31633G>C (NM_133432.3); c.25688+5G>C (NM_133378.4); c.28469+5G>C (NM_001256850.1).
Identifiers: ClinVar variation 4786406 (VCV004786406.1).